The following is an entry in ClinVar:

NM_032382.5(COG8):c.1550_1556del (p.Leu517fs)

Gene: COG8 (component of oligomeric golgi complex 8; minus strand). Cytogenetic location: 16q22.1.
Variant type: Deletion.
Coding change: c.1550_1556del on transcript NM_032382.5 (MANE Select); coding-DNA positions 1550 to 1556, 7 bases deleted (TTTTTCC; older notation c.1550_1556delTTTTTCC).
Protein change: p.Leu517fs; shifts the reading frame from leucine 517.
Molecular consequence: frameshift variant. On other transcripts: intron variant (1).
Genome position (GRCh38, 1-based): chr16:69,332,740-69,332,746, GGAAAAA deleted on the plus strand (TTTTTCC on the coding strand, the reverse complement: COG8 is on the minus strand); deleting any 7 consecutive bases within chr16:69,332,740-69,332,749 gives the same sequence; the c. name uses the placement nearest the transcript's 3' end. VCF-style (leftmost placement, unchanged base first): chr16-69332739-TGGAAAAA-T. GRCh37 (hg19) VCF-style: chr16-69366642-TGGAAAAA-T.
Other names: c.1550_1556del, p.Leu517fs (NM_001374871.1, NM_001379261.1, NM_001379262.1 and 3 more transcripts); c.1413+1775_1413+1781del (NM_001379266.1); short protein forms L517fs.
Identifiers: ClinVar variation 1098271 (VCV001098271.1), dbSNP rs2143335414, ClinGen allele CA2499223680.
Genomic context (GRCh38, chr16:69,332,739, plus strand): 5'-CAGTAAGGCAGTTTACAGAATTTTCATTCTCTTACCTAAAGTCTGTGCTATCTGAGCTGG[TGGAAAAA>T]GGACTTGGAGACAGCGATTTAAATACGGAACAAGGTCTTCCAGGAAGACAGTGCAGAACT-3'

ClinVar aggregate classification (germline): Pathogenic (1 of 4 stars; one submission).

Conditions:
COG8-congenital disorder of glycosylation. Also called: COG8-CDG; CDG IIh. Identifiers: Orphanet 95428, MedGen C1970021, MONDO:0012635, OMIM 611182.

Submission:

Genetics and Prenatal Diagnosis Center, The First Affiliated Hospital of Zhengzhou University
Classification: Pathogenic for COG8-congenital disorder of glycosylation. Last evaluated: 2021-05-13. Review status: criteria provided, single submitter. Criteria: ACMG Guidelines, 2015. Collection method: clinical testing. Allele origin: germline. Affected: yes.